The following is an entry in ClinVar:

NM_001128840.3(CACNA1D):c.3748G>A (p.Val1250Ile)

Gene: CACNA1D (calcium voltage-gated channel subunit alpha1 D; plus strand). Cytogenetic location: 3p21.1.
Variant type: single nucleotide variant.
Coding change: c.3748G>A on transcript NM_001128840.3 (MANE Select); coding-DNA position 3748, G replaced by A.
Protein change: p.Val1250Ile; replaces valine 1250 with isoleucine.
Molecular consequence: missense variant.
Genome position (GRCh38, 1-based): chr3:53,753,644, G>A. VCF-style: chr3-53753644-G-A. GRCh37 (hg19) VCF-style: chr3-53787671-G-A.
Other names: c.3808G>A (NM_000720.2); c.3808G>A, p.Val1270Ile (NM_000720.4); c.3748G>A, p.Val1250Ile (NM_001128839.3); short protein forms V1270I, V1250I.
Identifiers: ClinVar variation 929995 (VCV000929995.10), dbSNP rs748437057, ClinGen allele CA2454662.

ClinVar aggregate classification (germline): Uncertain significance. Review status: criteria provided, multiple submitters, no conflicts (2 of 4 stars). 4 submissions from 4 submitters: Uncertain significance (4). Last evaluated 2025-10-14.

Conditions:
Inborn genetic diseases. Identifiers: MedGen C0950123, MeSH D030342.

Allele frequency attached by ClinVar (database versions not stated): gnomAD 0.00001; ExAC 0.00003; TOPMed 0.00003.
gnomAD v4.1: 78 of 1,613,174 alleles (0.0048%); highest among the groups gnomAD compares: Non-Finnish European, 0.006%; no homozygotes.

Submissions (4):

Labcorp Genetics (formerly Invitae), Labcorp
Classification: Uncertain significance. Last evaluated: 2025-10-14. Review status: criteria provided, single submitter. Criteria: Invitae Variant Classification Sherloc (09022015). Collection method: clinical testing. Allele origin: germline.
Comment: This sequence change replaces valine, which is neutral and non-polar, with isoleucine, which is neutral and non-polar, at codon 1270 of the CACNA1D protein (p.Val1270Ile). This variant is present in population databases (rs748437057, gnomAD 0.008%). This variant has not been reported in the literature in individuals affected with CACNA1D-related conditions. ClinVar contains an entry for this variant (Variation ID: 929995). An algorithm developed to predict the effect of missense changes on protein structure and function (PolyPhen-2) suggests that this variant is likely to be disruptive. In summary, the available evidence is currently insufficient to determine the role of this variant in disease. Therefore, it has been classified as a Variant of Uncertain Significance.

Ambry Genetics
Classification: Uncertain significance for Inborn genetic diseases. Last evaluated: 2025-01-27. Review status: criteria provided, single submitter. Criteria: Ambry Variant Classification Scheme 2023. Collection method: clinical testing. Allele origin: germline.

Blueprint Genetics
Classification: Uncertain significance. Last evaluated: 2023-11-14. Review status: criteria provided, single submitter. Criteria: ACMG Guidelines, 2015. Collection method: clinical testing. Allele origin: germline.

Laboratory for Molecular Medicine, Mass General Brigham Personalized Medicine
Classification: Uncertain significance. Last evaluated: 2019-08-05. Review status: criteria provided, single submitter. Criteria: LMM Criteria. Collection method: clinical testing. Allele origin: germline. Observed: 1 variant allele.
Comment: The p.Val1270Ile variant in CACNA1D has not been previously reported in affected individuals, but has been identified in 0.007% (9/113762) of European chromosomes by gnomAD. Computational prediction tools and conservation analysis do not provide strong support for or against an impact to the protein. In summary, the clinical significance of this variant is uncertain. ACMG/AMP Criteria applied: PM2.